The following is an entry in ClinVar:

ClinVar aggregate classification (germline): Uncertain significance (1 of 4 stars; one submission).

Submission:

CeGaT Center for Human Genetics Tuebingen
Classification: Uncertain significance. Last evaluated: 2022-08-01. Review status: criteria provided, single submitter. Criteria: CeGaT Center For Human Genetics Tuebingen Variant Classification Criteria Version 2. Collection method: clinical testing. Allele origin: germline. Affected: yes. Observed: 1 variant allele.
Comment: CHD7: PM2

NM_017780.4(CHD7):c.878G>T (p.Ser293Ile)

Gene: CHD7 (chromodomain helicase DNA binding protein 7; plus strand). Cytogenetic location: 8q12.2.
Variant type: single nucleotide variant.
Coding change: c.878G>T on transcript NM_017780.4 (MANE Select); coding-DNA position 878, G replaced by T.
Protein change: p.Ser293Ile; replaces serine 293 with isoleucine.
Molecular consequence: missense variant.
Genome position (GRCh38, 1-based): chr8:60,742,310, G>T. VCF-style: chr8-60742310-G-T. GRCh37 (hg19) VCF-style: chr8-61654869-G-T.
Other names: c.878G>T, p.Ser293Ile (NM_001316690.1); short protein forms S293I.
Identifiers: ClinVar variation 2658615 (VCV002658615.24), dbSNP rs1809079469, ClinGen allele CA371299847.